The following is an entry in ClinVar:

ClinVar aggregate classification (germline): Pathogenic (1 of 4 stars; one submission).

Conditions:
X-linked distal spinal muscular atrophy type 3. Also called: NEURONOPATHY, DISTAL HEREDITARY MOTOR, X-LINKED; NEUROPATHY, DISTAL HEREDITARY MOTOR, X-LINKED; ATP7A-Related Distal Motor Neuropathy; SPINAL MUSCULAR ATROPHY, DISTAL, X-LINKED RECESSIVE. Identifiers: Orphanet 139557, MedGen C1845359, MONDO:0010338, OMIM 300489.
Menkes kinky-hair syndrome (MNK). Also called: Classic Menkes Disease; Copper transport disease; Menkes Disease. Identifiers: Orphanet 565, MedGen C0022716, MONDO:0010651, OMIM 309400.
Cutis laxa, X-linked (OHS). Also called: EDS IX; Occipital horn syndrome. Identifiers: Orphanet 198, MedGen C0268353, MONDO:0010572, OMIM 304150.

Submission:

Labcorp Genetics (formerly Invitae), Labcorp
Classification: Pathogenic for X-linked distal spinal muscular atrophy type 3; Cutis laxa, X-linked; Menkes kinky-hair syndrome. Last evaluated: 2022-12-22. Review status: criteria provided, single submitter. Criteria: Invitae Variant Classification Sherloc (09022015). Collection method: clinical testing. Allele origin: germline.
Comment: For these reasons, this variant has been classified as Pathogenic. This variant disrupts a region of the ATP7A protein in which other variant(s) (p.Pro1386Ser) have been determined to be pathogenic (PMID: 20170900, 22210628, 28119449). This suggests that this is a clinically significant region of the protein, and that variants that disrupt it are likely to be disease-causing. A similar copy number variant has been observed in individual(s) with Menkes disease (PMID: 14635105). This variant is a gross deletion of the genomic region encompassing exon(s) 22-23 of the ATP7A gene, which includes the termination codon. This deletion extends beyond the assayed region for this gene and therefore may encompass additional genes. While this deletion is not anticipated to lead to nonsense mediated decay, it is expected to alter mRNA translation or result in a truncated protein product.

Literature cited by the submitters: PubMed 20170900; PubMed 22210628; PubMed 28119449; PubMed 14635105.

NC_000023.10:g.(?_77300947)_(77302067_?)del

Gene: ATP7A (ATPase copper transporting alpha; plus strand). Cytogenetic location: Xq21.1.
Variant type: Deletion.
Identifiers: ClinVar variation 2422241 (VCV002422241.5).